The following is an entry in ClinVar:

ClinVar aggregate classification (germline): Uncertain significance (1 of 4 stars; one submission).

Conditions:
Niemann-Pick disease, type C1. Also called: NIEMANN-PICK DISEASE, VARIANT TYPE C1; NEUROVISCERAL STORAGE DISEASE WITH VERTICAL SUPRANUCLEAR OPHTHALMOPLEGIA; NIEMANN-PICK DISEASE WITH CHOLESTEROL ESTERIFICATION BLOCK; NIEMANN-PICK DISEASE WITHOUT SPHINGOMYELINASE DEFICIENCY; NIEMANN-PICK DISEASE, CHRONIC NEURONOPATHIC FORM. Identifiers: Orphanet 646, MedGen C3179455, MONDO:0009757, OMIM 257220.

Allele frequency attached by ClinVar (database versions not stated): gnomAD exomes below 0.00001; TOPMed below 0.00001; ExAC 0.00001.
gnomAD v4.1: 2 of 1,614,168 alleles (0.00012%); highest among the groups gnomAD compares: Admixed American, 0.0033%; no homozygotes.

Submission:

Labcorp Genetics (formerly Invitae), Labcorp
Classification: Uncertain significance for Niemann-Pick disease, type C1. Last evaluated: 2024-01-02. Review status: criteria provided, single submitter. Criteria: Invitae Variant Classification Sherloc (09022015). Collection method: clinical testing. Allele origin: germline.
Comment: This sequence change replaces valine, which is neutral and non-polar, with alanine, which is neutral and non-polar, at codon 706 of the NPC1 protein (p.Val706Ala). This variant is present in population databases (rs112101747, gnomAD 0.006%). This variant has not been reported in the literature in individuals affected with NPC1-related conditions. ClinVar contains an entry for this variant (Variation ID: 2054089). Advanced modeling of protein sequence and biophysical properties (such as structural, functional, and spatial information, amino acid conservation, physicochemical variation, residue mobility, and thermodynamic stability) performed at Invitae indicates that this missense variant is expected to disrupt NPC1 protein function with a positive predictive value of 95%. In summary, the available evidence is currently insufficient to determine the role of this variant in disease. Therefore, it has been classified as a Variant of Uncertain Significance.

NM_000271.5(NPC1):c.2117T>C (p.Val706Ala)

Gene: NPC1 (NPC intracellular cholesterol transporter 1; minus strand). Cytogenetic location: 18q11.2.
Variant type: single nucleotide variant.
Coding change: c.2117T>C on transcript NM_000271.5 (MANE Select); coding-DNA position 2117, T replaced by C.
Protein change: p.Val706Ala; replaces valine 706 with alanine.
Molecular consequence: missense variant.
Genome position (GRCh38, 1-based): chr18:23,544,357, A>G on the plus strand (T>C on the coding strand, the complement: NPC1 is on the minus strand). VCF-style: chr18-23544357-A-G. GRCh37 (hg19) VCF-style: chr18-21124321-A-G.
Other names: short protein forms V706A.
Identifiers: ClinVar variation 2054089 (VCV002054089.4), dbSNP rs112101747, ClinGen allele CA8913226.
Genomic context (GRCh38, chr18:23,544,357, plus strand): 5'-CTGAAACTTGAACAGATGCTGAGCCCTGTGAGAATATGGAAGTATACCTGGTAGGCCTGC[A>G]CCAGAATGAAGATGTTGTCCACTCCAACAGCCAGCACCAGGAACGGGATGACTTCAATCA-3'
Protein context (NP_000262.2, residues 696-716): AVGVDNIFIL[Val706Ala]QAYQRDERLQ